The following is an entry in ClinVar:

NM_003560.4(PLA2G6):c.2070_2072del (p.Val691del)

Gene: PLA2G6 (phospholipase A2 group VI; minus strand). Cytogenetic location: 22q13.1.
Variant type: Deletion.
Coding change: c.2070_2072del on transcript NM_003560.4 (MANE Select); coding-DNA positions 2070 to 2072, 3 bases deleted (TGT; older notation c.2070_2072delTGT).
Protein change: p.Val691del; deletes valine 691.
Molecular consequence: inframe deletion.
Genome position (GRCh38, 1-based): chr22:38,113,617-38,113,619, ACA deleted on the plus strand (TGT on the coding strand, the reverse complement: PLA2G6 is on the minus strand); deleting any 3 consecutive bases within chr22:38,113,617-38,113,621 gives the same sequence; the c. name uses the placement nearest the transcript's 3' end. VCF-style (leftmost placement, unchanged base first): chr22-38113616-GACA-G. GRCh37 (hg19) VCF-style: chr22-38509623-GACA-G.
Other names: c.2070_2072del (NM_003560.2); c.1908_1910del, p.Val637del (NM_001004426.3, NM_001199562.3, NM_001349865.2 and 1 more transcripts); c.2070_2072del, p.Val691del (NM_001349864.2); c.1536_1538del, p.Val513del (NM_001349867.2); c.1392_1394del, p.Val465del (NM_001349868.2); c.1374_1376del, p.Val459del (NM_001349869.2); c.1908_1910del (NM_001004426.2); short protein forms V691del, V465del, V513del, V459del, V637del.
Identifiers: ClinVar variation 6198 (VCV000006198.26), dbSNP rs587784343, ClinGen allele CA173247.

ClinVar aggregate classification (germline): Pathogenic. Review status: criteria provided, multiple submitters, no conflicts (2 of 4 stars). 12 submissions from 11 submitters: Pathogenic (9). 3 of the submissions do not count toward it. Last evaluated 2026-01-21.

Conditions:
Neurodegeneration with brain iron accumulation (NBIA). Identifiers: Orphanet 385, MedGen C2931845, MONDO:0018307.
Infantile neuroaxonal dystrophy (NBIA2A). Also called: SEITELBERGER DISEASE; NEURODEGENERATION WITH BRAIN IRON ACCUMULATION 2A; Infantile neuroaxonal dystrophy 1. Identifiers: Orphanet 35069, MedGen C0270724, MONDO:0024457, OMIM 256600.
Neurodegeneration with brain iron accumulation 2B. Also called: NEUROAXONAL DYSTROPHY, ATYPICAL; NEURODEGENERATION WITH BRAIN IRON ACCUMULATION, PLA2G6-RELATED; aNAD; atypical Neuroaxonal Dystrophy (aNAD). Identifiers: Orphanet 35069, MedGen C1857747, MONDO:0012444, OMIM 610217.
Iron accumulation in brain. Identifiers: MedGen C4021076, HP:0012675.

Submissions (12):

3billion
Classification: Pathogenic for Infantile neuroaxonal dystrophy. Last evaluated: 2026-01-21. Review status: criteria provided, single submitter. Criteria: ACMG Guidelines, 2015. Collection method: clinical testing. Allele origin: germline. Affected: yes.
Comment: The variant is observed at an extremely low frequency in the gnomAD v4.1.0 dataset (total allele frequency: <0.001%). Predicted Consequence/Location: Inframe deletion located in a nonrepeat region: predicted to change the length of the protein and disrupt normal protein function. Functional studies provide strong evidence of the variant having a damaging effect on the gene or gene product (PMID: 20886109). The variant has been reported to be in trans with a pathogenic variant as either compound heterozygous or homozygous in at least one similarly affected unrelated individual (PMID: 20886109). The variant has been reported at least twice as pathogenic with clinical assertions and evidence for the classification (ClinVar ID: VCV000006198 /PMID: 16783378 /3billion dataset). Therefore, this variant is classified as Pathogenic according to the recommendation of ACMG/AMP guideline.

Genomic Medicine Center of Excellence, King Faisal Specialist Hospital and Research Centre
Classification: Pathogenic for Infantile neuroaxonal dystrophy. Last evaluated: 2024-03-25. Review status: criteria provided, single submitter. Criteria: ACMG Guidelines, 2015. Collection method: clinical testing. Allele origin: germline.

Labcorp Genetics (formerly Invitae), Labcorp
Classification: Pathogenic for Infantile neuroaxonal dystrophy. Last evaluated: 2023-12-06. Review status: criteria provided, single submitter. Criteria: Invitae Variant Classification Sherloc (09022015). Collection method: clinical testing. Allele origin: germline.
Comment: This variant, c.2070_2072del, results in the deletion of 1 amino acid(s) of the PLA2G6 protein (p.Val691del), but otherwise preserves the integrity of the reading frame. This variant is not present in population databases (gnomAD no frequency). This variant has been observed in individuals with infantile neuroaxonal dystrophy and/or neurodegeneration with brain iron accumulation (PMID: 16783378, 17033970). It is commonly reported in individuals of North African ancestry (PMID: 25164370). ClinVar contains an entry for this variant (Variation ID: 6198). Algorithms developed to predict the effect of variants on protein structure and function are not available or were not evaluated for this variant. Experimental studies have shown that this variant affects PLA2G6 function (PMID: 20886109). For these reasons, this variant has been classified as Pathogenic.

GeneDx
Classification: Pathogenic. Last evaluated: 2022-10-11. Review status: criteria provided, single submitter. Criteria: GeneDx Variant Classification Process June 2021. Collection method: clinical testing. Allele origin: germline. Affected: yes.
Comment: In silico analysis supports a deleterious effect on protein structure/function; In-frame deletion of one amino acid in a non-repeat region; Not observed at significant frequency in large population cohorts (gnomAD); Published functional studies demonstrate a damaging effect on phospholipase activity compared to wildtype controls (Engel et al., 2010); This variant is associated with the following publications: (PMID: 20619503, 25164370, 17033970, 28097321, 16783378, 20886109, 34797406, 33101984)

Department of Genetics, Sultan Qaboos University Hospital
Classification: Pathogenic for Infantile neuroaxonal dystrophy 1. Last evaluated: 2022-06-30. Review status: criteria provided, single submitter. Criteria: ACMG Guidelines, 2015. Collection method: clinical testing. Allele origin: germline.

Revvity Omics, Revvity
Classification: Pathogenic. Last evaluated: 2021-02-10. Review status: criteria provided, single submitter. Criteria: ACMG Guidelines, 2015. Collection method: clinical testing. Allele origin: germline.

Institute of Human Genetics, University of Leipzig Medical Center
Classification: Pathogenic for Neurodegeneration with brain iron accumulation 2B. Last evaluated: 2020-03-01. Review status: criteria provided, single submitter. Criteria: ACMG Guidelines, 2015. Collection method: clinical testing. Allele origin: biparental. Inheritance: Autosomal recessive inheritance. Affected: yes.
Comment: Review of the variants reported in Reuter et al., 2017, PMID: 28097321: PS3,PM2,PM3_Strong

Knight Diagnostic Laboratories, Oregon Health and Sciences University
Classification: Pathogenic. Last evaluated: 2016-06-17. Review status: criteria provided, single submitter. Criteria: ACMG Guidelines, 2015. Collection method: clinical testing. Allele origin: germline. Observed: 1 variant allele.

Genetic Services Laboratory, University of Chicago
Classification: Pathogenic for iron accumulation in brain. Last evaluated: 2013-02-08. Review status: criteria provided, single submitter. Criteria: ACMG Guidelines, 2007. Collection method: clinical testing. Allele origin: germline. Inheritance: Autosomal recessive inheritance. Affected: yes.

Department of Genetics, Sultan Qaboos University Hospital
Classification: Pathogenic for Neurodegeneration with brain iron accumulation 2B. Last evaluated: 2017-12-30. Review status: no assertion criteria provided. Collection method: curation. Allele origin: unknown. Affected: yes. Not counted in ClinVar's aggregate classification.

OMIM
Classification: Pathogenic for NEURODEGENERATION WITH BRAIN IRON ACCUMULATION 2A. Last evaluated: 2006-11-01. Review status: no assertion criteria provided. Collection method: literature only. Allele origin: germline. Not counted in ClinVar's aggregate classification.

GeneReviews
No classification provided. Condition: Neurodegeneration with brain iron accumulation. Review status: no classification provided. Collection method: literature only. Allele origin: germline. Not counted in ClinVar's aggregate classification.

Literature cited by the submitters: PubMed 20886109 (cited by 3billion and Labcorp Genetics (formerly Invitae), Labcorp); PubMed 16783378 (cited by 4 submitters); PubMed 17033970 (cited by Labcorp Genetics (formerly Invitae), Labcorp and OMIM); PubMed 25164370 (cited by Labcorp Genetics (formerly Invitae), Labcorp and GeneReviews); PubMed 20301718 (cited by GeneReviews).